The following is an entry in ClinVar:

ClinVar aggregate classification (germline): Likely benign. Review status: criteria provided, single submitter (1 of 4 stars). 2 submissions from 2 submitters: Likely benign (1). 1 of the submissions does not count toward it. Last evaluated 2023-03-23.

Conditions:
Familial cancer of breast. Also called: BREAST CANCER, FAMILIAL; Hereditary breast cancer; hereditary breast carcinoma. Identifiers: Orphanet 227535, MedGen C0346153, MONDO:0016419, OMIM 114480. Disease mechanism: loss of function.
Hereditary cancer-predisposing syndrome. Also called: Neoplastic Syndromes, Hereditary; Hereditary neoplastic syndrome; Tumor predisposition; Hereditary Cancer Syndrome. Identifiers: Orphanet 140162, MedGen C0027672, MeSH D009386, MONDO:0015356.

gnomAD v4.1: 1 of 1,614,192 alleles (0.000062%); highest among the groups gnomAD compares: Non-Finnish European, 0.000085%; no homozygotes.

Submissions (2):

University of Washington Department of Laboratory Medicine, University of Washington
Classification: Likely benign for Hereditary cancer-predisposing syndrome. Last evaluated: 2023-03-23. Review status: criteria provided, single submitter. Criteria: Dines et al. (Genet Med. 2020). Collection method: curation. Allele origin: germline.
Comment: Missense variant in a coldspot region where missense variants are very unlikely to be pathogenic (PMID:31911673).

BRCA1 coldspot (exon 11 using historical exon numbering). Reclassification based on statistical prior probability

ClinVar Staff, National Center for Biotechnology Information (NCBI)
No classification provided. Condition: Familial cancer of breast. Review status: no classification provided. Collection method: literature only. Allele origin: germline. Affected: yes. Not counted in ClinVar's aggregate classification.

Literature cited by the submitters: PubMed 17100994 (cited by ClinVar Staff, National Center for Biotechnology Information (NCBI)).

NM_007294.4(BRCA1):c.3722C>G (p.Ser1241Cys)

Genes: BRCA1 (BRCA1 DNA repair associated; minus strand), LOC126862571 (BRD4-independent group 4 enhancer GRCh37_chr17:41243136-41244335; plus strand). Cytogenetic location: 17q21.31.
Variant type: single nucleotide variant.
Coding change: c.3722C>G on transcript NM_007294.4 (MANE Select); coding-DNA position 3722, C replaced by G.
Protein change: p.Ser1241Cys; replaces serine 1241 with cysteine.
Molecular consequence: missense variant. On other transcripts: intron variant (135).
Genome position (GRCh38, 1-based): chr17:43,091,809, G>C on the plus strand (C>G on the coding strand, the complement: BRCA1 is on the minus strand). VCF-style: chr17-43091809-G-C. GRCh37 (hg19) VCF-style: chr17-41243826-G-C.
Other names: c.3509C>G, p.Ser1170Cys (NM_001407571.1, NM_001407853.1, NM_001407894.1 and 9 more transcripts); c.3722C>G, p.Ser1241Cys (NM_001407581.1, NM_001407582.1, NM_001407583.1 and 30 more transcripts); c.3719C>G, p.Ser1240Cys (NM_001407587.1, NM_001407590.1, NM_001407591.1 and 22 more transcripts); c.3713C>G, p.Ser1238Cys (NM_001407646.1, NM_001407647.1); c.3599C>G, p.Ser1200Cys (NM_001407648.1, NM_001407664.1, NM_001407665.1 and 19 more transcripts); c.3596C>G, p.Ser1199Cys (NM_001407649.1, NM_001407670.1, NM_001407671.1 and 11 more transcripts); c.3644C>G, p.Ser1215Cys (NM_001407653.1, NM_001407654.1, NM_001407655.1 and 4 more transcripts); c.3641C>G, p.Ser1214Cys (NM_001407659.1, NM_001407660.1, NM_001407661.1 and 1 more transcripts); and 41 more; short protein forms S1241C, S1194C, S1130C, S1171C, S1173C, S1199C, S1214C, S1238C.
Identifiers: ClinVar variation 54980 (VCV000054980.4), dbSNP rs80357143, ClinGen allele CA002390.